The following is an entry in ClinVar:

NM_014141.6(CNTNAP2):c.*9T>C

Gene: CNTNAP2 (contactin associated protein 2; plus strand). Cytogenetic location: 7q36.1.
Variant type: single nucleotide variant.
Coding change: c.*9T>C on transcript NM_014141.6 (MANE Select); 9 bases downstream of the stop codon, T replaced by C.
Molecular consequence: 3 prime UTR variant.
Genome position (GRCh38, 1-based): chr7:148,415,625, T>C. VCF-style: chr7-148415625-T-C. GRCh37 (hg19) VCF-style: chr7-148112717-T-C.
Identifiers: ClinVar variation 136835 (VCV000136835.2), dbSNP rs539868299, ClinGen allele CA290197.

ClinVar aggregate classification (germline): Benign (1 of 4 stars; one submission).

Allele frequency attached by ClinVar (database versions not stated): gnomAD below 0.00001 and 0.00007; TOPMed 0.00001; gnomAD exomes 0.00012 and 0.00026; ExAC 0.00025; 1000 Genomes Project 0.00060; 1000 Genomes Project 30x 0.00062.
gnomAD v4.1: 187 of 1,614,098 alleles (0.012%); highest among the groups gnomAD compares: South Asian, 0.2%; 2 homozygotes.

Submission:

GeneDx
Classification: Benign. Last evaluated: 2014-04-17. Review status: criteria provided, single submitter. Criteria: GeneDx Variant Classification (06012015). Collection method: clinical testing. Allele origin: germline. Affected: yes.
Comment: This variant is considered likely benign or benign based on one or more of the following criteria: it is a conservative change, it occurs at a poorly conserved position in the protein, it is predicted to be benign by multiple in silico algorithms, and/or has population frequency not consistent with disease.